The following is an entry in ClinVar:

ClinVar aggregate classification (germline): Uncertain significance (1 of 4 stars; one submission).

Conditions:
Inborn genetic diseases. Identifiers: MedGen C0950123, MeSH D030342.

Submission:

Ambry Genetics
Classification: Uncertain significance for Inborn genetic diseases. Last evaluated: 2026-03-20. Review status: criteria provided, single submitter. Criteria: Ambry Variant Classification Scheme 2023. Collection method: clinical testing. Allele origin: germline.
Comment: The p.C1344R variant (also known as c.4030T>C), located in coding exon 28 of the ANKRD26 gene, results from a T to C substitution at nucleotide position 4030. The cysteine at codon 1344 is replaced by arginine, an amino acid with highly dissimilar properties. This amino acid position is conserved. In addition, this alteration is predicted to be tolerated by in silico analysis. Based on the available evidence, the clinical significance of this variant remains unclear.

NM_014915.3(ANKRD26):c.4030T>C (p.Cys1344Arg)

Gene: ANKRD26 (ankyrin repeat domain 26; minus strand). Cytogenetic location: 10p12.1.
Variant type: single nucleotide variant.
Coding change: c.4030T>C on transcript NM_014915.3 (MANE Select); coding-DNA position 4030, T replaced by C.
Protein change: p.Cys1344Arg; replaces cysteine 1344 with arginine.
Molecular consequence: missense variant.
Genome position (GRCh38, 1-based): chr10:27,024,502, A>G on the plus strand (T>C on the coding strand, the complement: ANKRD26 is on the minus strand). VCF-style: chr10-27024502-A-G. GRCh37 (hg19) VCF-style: chr10-27313431-A-G.
Other names: c.4027T>C, p.Cys1343Arg (NM_001256053.2); short protein forms C1343R, C1344R.
Identifiers: ClinVar variation 4859077 (VCV004859077.1).
Genomic context (GRCh38, chr10:27,024,502, plus strand): 5'-CTTACCCAGTTATCTCTCTTTCTAATTCAACATTTTTCTTCATTTCTTGATCCAAATTAC[A>G]TTCCAGTGACTGTTTTAATTCCATAAGTTTCTTTAATTGTTCCTTTTCATCTTCAGACTT-3'
Protein context (NP_055730.2, residues 1334-1354): KLMELKQSLE[Cys1344Arg]NLDQEMKKNV